The following is an entry in ClinVar:

NM_000059.4(BRCA2):c.7239A>G (p.Lys2413=)

Gene: BRCA2 (BRCA2 DNA repair associated; plus strand). Cytogenetic location: 13q13.1.
Variant type: single nucleotide variant.
Coding change: c.7239A>G on transcript NM_000059.4 (MANE Select); coding-DNA position 7239, A replaced by G.
Protein change: p.Lys2413=; no amino-acid change (lysine 2413 retained).
Molecular consequence: synonymous variant.
Genome position (GRCh38, 1-based): chr13:32,355,092, A>G. VCF-style: chr13-32355092-A-G. GRCh37 (hg19) VCF-style: chr13-32929229-A-G.
Identifiers: ClinVar variation 215614 (VCV000215614.31), dbSNP rs763727386, ClinGen allele CA339246.

ClinVar aggregate classification (germline): Likely benign. Review status: reviewed by expert panel (3 of 4 stars). 10 submissions from 10 submitters: Likely benign (1). 9 of the submissions do not count toward it. Last evaluated 2017-06-29.

Conditions:
BRCA2-related disorder. Also called: BRCA2-related condition; BRCA2-related disorders. Identifiers: MedGen CN239275.
Hereditary cancer-predisposing syndrome. Also called: Neoplastic Syndromes, Hereditary; Tumor predisposition; Hereditary neoplastic syndrome; Hereditary Cancer Syndrome. Identifiers: Orphanet 140162, MedGen C0027672, MeSH D009386, MONDO:0015356.
Familial prostate cancer. Also called: Hereditary Prostate Cancer. Identifiers: MedGen C2931456, MONDO:0700275, OMIM 176807.
Hereditary breast ovarian cancer syndrome. Also called: Hereditary breast and ovarian cancer syndrome; Hereditary breast and ovarian cancer syndrome (HBOC); Breast and ovarian cancer; BRCA1- and BRCA2-Associated Hereditary Breast and Ovarian Cancer; Hereditary breast and/or ovarian cancer syndrome; Hereditary breast and ovarian cancer. Identifiers: Orphanet 145, MedGen C0677776, MeSH D061325, MONDO:0003582. Disease mechanism: loss of function.
Breast-ovarian cancer, familial, susceptibility to, 2 (BROVCA2). Also called: BRCA2 Hereditary Breast and Ovarian Cancer. Identifiers: Orphanet 145, MedGen C2675520, MONDO:0012933, OMIM 612555. Disease mechanism: loss of function.

Allele frequency attached by ClinVar (database versions not stated): gnomAD exomes 0.00001 and 0.00002; ExAC 0.00002; TOPMed 0.00008; gnomAD 0.00009 and 0.00010.

Submissions (10):

Evidence-based Network for the Interpretation of Germline Mutant Alleles (ENIGMA)
Classification: Likely benign for Breast-ovarian cancer, familial, susceptibility to, 2. Last evaluated: 2017-06-29. Review status: reviewed by expert panel. Criteria: ENIGMA BRCA1/2 Classification Criteria (2017-06-29). Collection method: curation. Allele origin: germline.
Comment: Synonymous substitution variant, with low bioinformatic likelihood to result in a splicing aberration (Splicing prior probability 0.02).

Labcorp Genetics (formerly Invitae), Labcorp
Classification: Likely benign for Hereditary breast ovarian cancer syndrome. Last evaluated: 2026-01-07. Review status: criteria provided, single submitter. Criteria: Invitae Variant Classification Sherloc (09022015). Collection method: clinical testing. Allele origin: germline. Not counted in ClinVar's aggregate classification.

Women's Health and Genetics/Laboratory Corporation of America, LabCorp
Classification: Likely benign. Last evaluated: 2025-11-03. Review status: criteria provided, single submitter. Criteria: LabCorp Variant Classification Summary - May 2015. Collection method: clinical testing. Allele origin: germline. Not counted in ClinVar's aggregate classification.
Comment: Variant summary: BRCA2 c.7239A>G results in a synonymous change. Consensus agreement among computation tools predict no significant impact on normal splicing. However, these predictions have yet to be confirmed by functional studies. The variant allele was found at a frequency of 2.4e-05 in 251286 control chromosomes, predominantly at a frequency of 0.00031 within the African or African-American subpopulation in the gnomAD database. The available data on variant occurrences in the general population are insufficient to allow any conclusion about variant significance. To our knowledge, no occurrence of c.7239A>G in individuals affected with BRCA2-related conditions and no experimental evidence demonstrating its impact on protein function have been reported. ClinVar contains an entry for this variant (Variation ID: 215614). Based on the evidence outlined above, the variant was classified as likely benign.

Quest Diagnostics Nichols Institute San Juan Capistrano
Classification: Likely benign. Last evaluated: 2025-08-01. Review status: criteria provided, single submitter. Criteria: Quest Diagnostics criteria. Collection method: clinical testing. Allele origin: unknown. Not counted in ClinVar's aggregate classification.

All of Us Research Program, National Institutes of Health
Classification: Likely benign for Breast-ovarian cancer, familial, susceptibility to, 2. Last evaluated: 2023-12-01. Review status: criteria provided, single submitter. Criteria: ACMG Guidelines, 2015. Collection method: clinical testing. Allele origin: germline. Inheritance: Autosomal dominant inheritance. Observed: 5 variant alleles, 5 heterozygotes. Not counted in ClinVar's aggregate classification.
Comment: This study involves interpretation of variants in research participants for the purpose of population health screening. Participant phenotype was not available at the time of variant classification. Additional details can be found in publication PMID: 35346344, PMCID: PMC8962531

Department of Pathology and Laboratory Medicine, Sinai Health System
Classification: Likely benign for Familial prostate cancer. Last evaluated: 2023-10-06. Review status: criteria provided, single submitter. Criteria: ACMG Guidelines, 2015. Collection method: clinical testing. Allele origin: germline. Affected: yes. Not counted in ClinVar's aggregate classification.

GeneDx
Classification: Likely benign. Last evaluated: 2020-10-06. Review status: criteria provided, single submitter. Criteria: GeneDx Variant Classification Process June 2021. Collection method: clinical testing. Allele origin: germline. Affected: yes. Not counted in ClinVar's aggregate classification.
Comment: This variant is associated with the following publications: (PMID: 27923066)

Color Diagnostics, LLC DBA Color Health
Classification: Likely benign for Hereditary cancer-predisposing syndrome. Last evaluated: 2017-05-29. Review status: criteria provided, single submitter. Criteria: ACMG Guidelines, 2015. Collection method: clinical testing. Allele origin: germline. Not counted in ClinVar's aggregate classification.

Ambry Genetics
Classification: Likely benign for Hereditary cancer-predisposing syndrome. Last evaluated: 2015-07-27. Review status: criteria provided, single submitter. Criteria: Ambry Variant Classification Scheme 2023. Collection method: clinical testing. Allele origin: germline. Not counted in ClinVar's aggregate classification.

PreventionGenetics, part of Exact Sciences
Classification: Likely benign for BRCA2-related condition. Last evaluated: 2020-08-31. Review status: no assertion criteria provided. Collection method: clinical testing. Allele origin: germline. Not counted in ClinVar's aggregate classification.
Comment: This variant is classified as likely benign based on ACMG/AMP sequence variant interpretation guidelines (Richards et al. 2015 PMID: 25741868, with internal and published modifications).

Literature cited by the submitters: PubMed 31191615 (cited by Quest Diagnostics Nichols Institute San Juan Capistrano).